The following is an entry in ClinVar:

NM_001005242.3(PKP2):c.1563G>A (p.Met521Ile)

Gene: PKP2 (plakophilin 2; minus strand). Cytogenetic location: 12p11.21.
Variant type: single nucleotide variant.
Coding change: c.1563G>A on transcript NM_001005242.3 (MANE Select); coding-DNA position 1563, G replaced by A.
Protein change: p.Met521Ile; replaces methionine 521 with isoleucine.
Molecular consequence: missense variant.
Genome position (GRCh38, 1-based): chr12:32,824,156, C>T on the plus strand (G>A on the coding strand, the complement: PKP2 is on the minus strand). VCF-style: chr12-32824156-C-T. GRCh37 (hg19) VCF-style: chr12-32977090-C-T.
Other names: c.1563G>A, p.Met521Ile (NM_001407155.1, NM_001407156.1, NM_001407161.1); c.1695G>A, p.Met565Ile (NM_001407157.1, NM_004572.4); c.1236G>A, p.Met412Ile (NM_001407158.1, NM_001407159.1, NM_001407160.1 and 1 more transcripts); short protein forms M565I, M521I, M412I.
Identifiers: ClinVar variation 4742451 (VCV004742451.1).

ClinVar aggregate classification (germline): Uncertain significance (1 of 4 stars; one submission).

Conditions:
Arrhythmogenic right ventricular dysplasia 9 (ARVD9). Also called: ARRHYTHMOGENIC RIGHT VENTRICULAR DYSPLASIA, FAMILIAL, 9; Arrhythmogenic Right Ventricular Dysplasia/Cardiomyopathy 9. Identifiers: MedGen C1836906, MONDO:0012180, OMIM 609040.

Submission:

Labcorp Genetics (formerly Invitae), Labcorp
Classification: Uncertain significance for Arrhythmogenic right ventricular dysplasia 9. Last evaluated: 2025-07-22. Review status: criteria provided, single submitter. Criteria: Invitae Variant Classification Sherloc (09022015). Collection method: clinical testing. Allele origin: germline.
Comment: This sequence change replaces methionine, which is neutral and non-polar, with isoleucine, which is neutral and non-polar, at codon 565 of the PKP2 protein (p.Met565Ile). This variant is not present in population databases (gnomAD no frequency). This variant has not been reported in the literature in individuals affected with PKP2-related conditions. An algorithm developed to predict the effect of missense changes on protein structure and function (PolyPhen-2) suggests that this variant is likely to be tolerated. In summary, the available evidence is currently insufficient to determine the role of this variant in disease. Therefore, it has been classified as a Variant of Uncertain Significance.